The following is an entry in ClinVar:

ClinVar aggregate classification (germline): Benign. Review status: criteria provided, single submitter (1 of 4 stars). 2 submissions from 2 submitters: Benign (1). 1 of the submissions does not count toward it. Last evaluated 2024-05-10.

Conditions:
MTOR-related disorder. Also called: MTOR-related condition.

Submissions (2):

Labcorp Genetics (formerly Invitae), Labcorp
Classification: Benign. Last evaluated: 2024-05-10. Review status: criteria provided, single submitter. Criteria: Invitae Variant Classification Sherloc (09022015). Collection method: clinical testing. Allele origin: germline.

PreventionGenetics, part of Exact Sciences
Classification: Uncertain significance for MTOR-related condition. Last evaluated: 2024-02-21. Review status: no assertion criteria provided. Collection method: clinical testing. Allele origin: germline. Not counted in ClinVar's aggregate classification.
Comment: The MTOR c.272C>T variant is predicted to result in the amino acid substitution p.Ala91Val. To our knowledge, this variant has not been reported in the literature or in a large population database, indicating this variant is rare. It is located at the first base of an exon; however, available splicing prediction algorithms do not predict it will disrupt splicing (SpliceAI, Jaganathan et al. 2019. PubMed ID: 30661751). At this time, the clinical significance of this variant is uncertain due to the absence of conclusive functional and genetic evidence.

NM_004958.4(MTOR):c.272C>T (p.Ala91Val)

Gene: MTOR (mechanistic target of rapamycin kinase; minus strand). Cytogenetic location: 1p36.22.
Variant type: single nucleotide variant.
Coding change: c.272C>T on transcript NM_004958.4 (MANE Select); coding-DNA position 272, C replaced by T.
Protein change: p.Ala91Val; replaces alanine 91 with valine.
Molecular consequence: missense variant. On other transcripts: 5 prime UTR variant (1).
Genome position (GRCh38, 1-based): chr1:11,257,165, G>A on the plus strand (C>T on the coding strand, the complement: MTOR is on the minus strand). VCF-style: chr1-11257165-G-A. GRCh37 (hg19) VCF-style: chr1-11317222-G-A.
Other names: c.272C>T, p.Ala91Val (NM_001386500.1); c.-868C>T (NM_001386501.1); short protein forms A91V.
Identifiers: ClinVar variation 2080014 (VCV002080014.6), dbSNP rs2523458242, ClinGen allele CA338404368.